The following is an entry in ClinVar:

ClinVar aggregate classification (germline): Uncertain significance (1 of 4 stars; one submission).

Allele frequency attached by ClinVar (database versions not stated): gnomAD exomes below 0.00001; TOPMed 0.00002.
gnomAD v4.1: 1 of 1,614,154 alleles (0.000062%); highest among the groups gnomAD compares: Non-Finnish European, 0.000085%; no homozygotes.

Submission:

GeneDx
Classification: Uncertain significance. Last evaluated: 2019-11-08. Review status: criteria provided, single submitter. Criteria: GeneDx Variant Classification Process June 2021. Collection method: clinical testing. Allele origin: germline. Affected: yes.
Comment: Not observed in large population cohorts (Lek et al., 2016); In silico analysis, which includes protein predictors and evolutionary conservation, supports a deleterious effect; Has not been previously published as pathogenic or benign to our knowledge

NM_016213.5(TRIP4):c.952C>A (p.His318Asn)

Gene: TRIP4 (thyroid hormone receptor interactor 4; plus strand). Cytogenetic location: 15q22.31.
Variant type: single nucleotide variant.
Coding change: c.952C>A on transcript NM_016213.5 (MANE Select); coding-DNA position 952, C replaced by A.
Protein change: p.His318Asn; replaces histidine 318 with asparagine.
Molecular consequence: missense variant. On other transcripts: non-coding transcript variant (1).
Genome position (GRCh38, 1-based): chr15:64,409,737, C>A. VCF-style: chr15-64409737-C-A. GRCh37 (hg19) VCF-style: chr15-64701936-C-A.
Other names: c.262C>A, p.His88Asn (NM_001321924.2); short protein forms H318N, H88N.
Identifiers: ClinVar variation 1309588 (VCV001309588.2), dbSNP rs1891717845, ClinGen allele CA392821415.